The following is an entry in ClinVar:

NM_001367624.2(ZNF469):c.3472C>T (p.Pro1158Ser)

Gene: ZNF469 (zinc finger protein 469; plus strand). Cytogenetic location: 16q24.2.
Variant type: single nucleotide variant.
Coding change: c.3472C>T on transcript NM_001367624.2 (MANE Select); coding-DNA position 3472, C replaced by T.
Protein change: p.Pro1158Ser; replaces proline 1158 with serine.
Molecular consequence: missense variant.
Genome position (GRCh38, 1-based): chr16:88,430,942, C>T. VCF-style: chr16-88430942-C-T. GRCh37 (hg19) VCF-style: chr16-88497350-C-T.
Other names: NM_001127464.1:c.3388C>T; short protein forms P1158S.
Identifiers: ClinVar variation 320907 (VCV000320907.31), dbSNP rs184894059, ClinGen allele CA8224857.

ClinVar aggregate classification (germline): Benign/Likely benign. Review status: criteria provided, multiple submitters, no conflicts (2 of 4 stars). 5 submissions from 5 submitters: Benign (2); Likely benign (3). Last evaluated 2026-04-08.

Conditions:
Cardiovascular phenotype. Identifiers: MedGen CN230736.

Allele frequency attached by ClinVar (database versions not stated): gnomAD 0.00259 and 0.00268; TOPMed 0.00260; 1000 Genomes Project 0.00479; 1000 Genomes Project 30x 0.00500.
gnomAD v4.1: 732 of 1,535,624 alleles (0.048%); highest among the groups gnomAD compares: African/African-American, 0.86%; 3 homozygotes.

Submissions (5):

Women's Health and Genetics/Laboratory Corporation of America, LabCorp
Classification: Likely benign. Last evaluated: 2026-04-08. Review status: criteria provided, single submitter. Criteria: LabCorp Variant Classification Summary - May 2015. Collection method: clinical testing. Allele origin: germline.
Comment: Variant summary: ZNF469 c.3472C>T (p.Pro1158Ser) results in a non-conservative amino acid change in the encoded protein sequence. Algorithms developed to predict the effect of missense changes on protein structure and function are either unavailable or do not agree on the potential impact of this missense change. The variant allele was found at a frequency of 0.00036 in 134886 control chromosomes, predominantly at a frequency of 0.0064 within the African or African-American subpopulation in the gnomAD database. The observed variant frequency within African or African-American control individuals in the gnomAD database exceeds the estimated maximal expected allele frequency for disease-causing variants in ZNF469. To our knowledge, no occurrence of c.3472C>T in individuals affected with ZNF469-related conditions and no experimental evidence demonstrating its impact on protein function have been reported. ClinVar contains an entry for this variant (Variation ID: 320907). Based on the evidence outlined above, the variant was classified as likely benign.

Labcorp Genetics (formerly Invitae), Labcorp
Classification: Benign. Last evaluated: 2026-01-27. Review status: criteria provided, single submitter. Criteria: Invitae Variant Classification Sherloc (09022015). Collection method: clinical testing. Allele origin: germline.

CeGaT Center for Human Genetics Tuebingen
Classification: Likely benign. Last evaluated: 2025-01-01. Review status: criteria provided, single submitter. Criteria: CeGaT Center For Human Genetics Tuebingen Variant Classification Criteria Version 2. Collection method: clinical testing. Allele origin: germline. Affected: yes. Observed: 1 variant allele.
Comment: ZNF469: BP4, BS2

GeneDx
Classification: Likely benign. Last evaluated: 2021-09-16. Review status: criteria provided, single submitter. Criteria: GeneDx Variant Classification Process June 2021. Collection method: clinical testing. Allele origin: germline. Affected: yes.

Ambry Genetics
Classification: Benign for Cardiovascular phenotype. Last evaluated: 2020-03-18. Review status: criteria provided, single submitter. Criteria: Ambry Variant Classification Scheme 2023. Collection method: clinical testing. Allele origin: germline.